The following is an entry in ClinVar:

NM_001099289.3(SH3RF3):c.2246A>G (p.Gln749Arg)

Genes: RANBP2 (RAN binding protein 2; plus strand), SH3RF3 (SH3 domain containing ring finger 3; plus strand). Cytogenetic location: 2q13.
Variant type: single nucleotide variant.
Coding change: c.2246A>G on transcript NM_001099289.3 (MANE Select); coding-DNA position 2246, A replaced by G.
Protein change: p.Gln749Arg; replaces glutamine 749 with arginine.
Molecular consequence: missense variant.
Genome position (GRCh38, 1-based): chr2:109,490,702, A>G. VCF-style: chr2-109490702-A-G. GRCh37 (hg19) VCF-style: chr2-110107158-A-G.
Other names: short protein forms Q749R.
Identifiers: ClinVar variation 3161417 (VCV003161417.1), dbSNP rs1166124277, ClinGen allele CA348066782.

ClinVar aggregate classification (germline): Uncertain significance (1 of 4 stars; one submission).

Allele frequency attached by ClinVar (database versions not stated): gnomAD 0.00004; TOPMed 0.00009.
gnomAD v4.1: 16 of 1,533,182 alleles (0.001%); highest among the groups gnomAD compares: Admixed American, 0.02%; no homozygotes.

Submission:

Ambry Genetics
Classification: Uncertain significance. Last evaluated: 2023-12-01. Review status: criteria provided, single submitter. Criteria: Ambry Variant Classification Scheme 2023. Collection method: clinical testing. Allele origin: germline.
Comment: The c.2246A>G (p.Q749R) alteration is located in exon (coding exon ) of the SH3RF3 gene. This alteration results from a A to G substitution at nucleotide position 2246, causing the glutamine (Q) at amino acid position 749 to be replaced by an arginine (R). Based on insufficient or conflicting evidence, the clinical significance of this alteration remains unclear.